The following is an entry in ClinVar:

ClinVar aggregate classification (germline): Likely pathogenic (1 of 4 stars; one submission).

Conditions:
Hyperornithinemia-hyperammonemia-homocitrullinuria syndrome (HHHS). Also called: HHH SYNDROME; Ornithine translocase deficiency. Identifiers: Orphanet 415, MedGen C0268540, MONDO:0009393, OMIM 238970.

Submission:

Natera, Inc.
Classification: Likely pathogenic for Hyperornithinemia-hyperammonemia-homocitrullinuria syndrome. Last evaluated: 2024-10-17. Review status: criteria provided, single submitter. Criteria: Natera Variant Classification Schema (03/2026). Collection method: clinical testing. Allele origin: germline.
Comment: The c.56-2A>G variant in SLC25A15 is a canonical splice acceptor site variant predicted to affect pre-mRNA splicing, which may result in an abnormal transcript and altered protein product. This variant is expected to result in nonsense mediated decay, truncation, or a dysfunctional protein product. This variant is rare in the general population with a frequency below the threshold expected for the associated phenotype(s). Given the available evidence, this variant is classified as Likely Pathogenic.

NM_014252.4(SLC25A15):c.56-2A>G

Gene: SLC25A15 (solute carrier family 25 member 15; plus strand). Cytogenetic location: 13q14.11.
Variant type: single nucleotide variant.
Coding change: c.56-2A>G on transcript NM_014252.4 (MANE Select); the canonical splice acceptor site of the intron before coding-DNA position 56, A replaced by G.
Molecular consequence: splice acceptor variant. On other transcripts: non-coding transcript variant (2).
Genome position (GRCh38, 1-based): chr13:40,799,055, A>G. VCF-style: chr13-40799055-A-G. GRCh37 (hg19) VCF-style: chr13-41373191-A-G.
Identifiers: ClinVar variation 4815650 (VCV004815650.1).
Genomic context (GRCh38, chr13:40,799,055, plus strand): 5'-TTCCTTCCATGGATAATGGAACTGTAGCCTCGTACTAGAGCAGTCATCTGTCCTGATTGC[A>G]GGAGGTACAGCATGTGTACTGACCGGGCAGCCCTTTGACACAATGAAAGTGAAGATGCAG-3'